The following is an entry in ClinVar:

NM_002528.7(NTHL1):c.119C>T (p.Ala40Val)

Gene: NTHL1 (nth like DNA glycosylase 1; minus strand). Cytogenetic location: 16p13.3.
Variant type: single nucleotide variant.
Coding change: c.119C>T on transcript NM_002528.7 (MANE Select); coding-DNA position 119, C replaced by T.
Protein change: p.Ala40Val; replaces alanine 40 with valine.
Molecular consequence: missense variant. On other transcripts: 5 prime UTR variant (1).
Genome position (GRCh38, 1-based): chr16:2,046,363, G>A on the plus strand (C>T on the coding strand, the complement: NTHL1 is on the minus strand). VCF-style: chr16-2046363-G-A. GRCh37 (hg19) VCF-style: chr16-2096364-G-A.
Other names: c.119C>T, p.Ala40Val (LRG_1366t1, NM_001318193.2); c.-60C>T (NM_001318194.2); short protein forms A40V.
Identifiers: ClinVar variation 653794 (VCV000653794.25), dbSNP rs375615004, ClinGen allele CA7828361.

ClinVar aggregate classification (germline): Uncertain significance. Review status: criteria provided, multiple submitters, no conflicts (2 of 4 stars). 9 submissions from 9 submitters: Uncertain significance (9). Last evaluated 2026-02-11.

Conditions:
Hereditary cancer-predisposing syndrome. Also called: Tumor predisposition; Neoplastic Syndromes, Hereditary; Hereditary Cancer Syndrome; Hereditary neoplastic syndrome. Identifiers: Orphanet 140162, MedGen C0027672, MeSH D009386, MONDO:0015356.
Familial adenomatous polyposis 3. Also called: NTHL1-Related Adenomatous Polyposis and Colorectal Cancer; NTHL1-associated polyposis; NTHL1-related attenuated familial adenomatous polyposis; NTHL1 Tumor Syndrome. Identifiers: Orphanet 220460, Orphanet 454840, MedGen C4225157, MONDO:0014630, OMIM 616415.

Allele frequency attached by ClinVar (database versions not stated): gnomAD exomes 0.00002 and 0.00004; gnomAD 0.00003 and 0.00004; TOPMed 0.00003; ExAC 0.00006; ESP Exome Variant Server 0.00008.

Submissions (9):

St. Jude Molecular Pathology, St. Jude Children's Research Hospital
Classification: Uncertain significance for Familial adenomatous polyposis 3. Last evaluated: 2026-02-11. Review status: criteria provided, single submitter. Criteria: St. Jude Assertion Criteria 2020. Collection method: clinical testing. Allele origin: germline.
Comment: The NTHL1 c.119C>T p.(Ala40Val) missense change has a maximum subpopulation frequency of 0.019% in gnomAD v2.1.1. The in silico tool REVEL predicts a benign effect of this variant on protein function, but to our knowledge functional studies have not been performed. To our knowledge, this variant has not been reported in individuals with NTHL1-associated polyposis. In summary, the evidence currently available is insufficient to determine the clinical significance of this variant. It has therefore been classified as of uncertain significance.

Labcorp Genetics (formerly Invitae), Labcorp
Classification: Uncertain significance. Last evaluated: 2026-02-02. Review status: criteria provided, single submitter. Criteria: Invitae Variant Classification Sherloc (09022015). Collection method: clinical testing. Allele origin: germline.
Comment: This sequence change replaces alanine, which is neutral and non-polar, with valine, which is neutral and non-polar, at codon 48 of the NTHL1 protein (p.Ala48Val). This variant is present in population databases (rs375615004, gnomAD 0.02%). This variant has not been reported in the literature in individuals affected with NTHL1-related conditions. ClinVar contains an entry for this variant (Variation ID: 653794). An algorithm developed to predict the effect of missense changes on protein structure and function (PolyPhen-2) suggests that this variant is likely to be tolerated. In summary, the available evidence is currently insufficient to determine the role of this variant in disease. Therefore, it has been classified as a Variant of Uncertain Significance.

Center for Genomic Medicine, Rigshospitalet, Copenhagen University Hospital
Classification: Uncertain significance. Last evaluated: 2025-12-29. Review status: criteria provided, single submitter. Criteria: ACMG Guidelines, 2015. Collection method: clinical testing. Allele origin: germline.

GeneDx
Classification: Uncertain significance. Last evaluated: 2025-05-13. Review status: criteria provided, single submitter. Criteria: GeneDx Variant Classification Process June 2021. Collection method: clinical testing. Allele origin: germline. Affected: yes.
Comment: In silico analysis suggests that this missense variant does not alter protein structure/function; Has not been previously published as pathogenic or benign to our knowledge

Ambry Genetics
Classification: Uncertain significance for Hereditary cancer-predisposing syndrome. Last evaluated: 2025-01-31. Review status: criteria provided, single submitter. Criteria: Ambry Variant Classification Scheme 2023. Collection method: clinical testing. Allele origin: germline.
Comment: The p.A48V variant (also known as c.143C>T), located in coding exon 2 of the NTHL1 gene, results from a C to T substitution at nucleotide position 143. The alanine at codon 48 is replaced by valine, an amino acid with similar properties. This amino acid position is poorly conserved in available vertebrate species. In addition, this alteration is predicted to be tolerated by in silico analysis. Since supporting evidence is limited at this time, the clinical significance of this alteration remains unclear.

Fulgent Genetics
Classification: Uncertain significance for Familial adenomatous polyposis 3. Last evaluated: 2024-03-28. Review status: criteria provided, single submitter. Criteria: ACMG Guidelines, 2015. Collection method: clinical testing. Allele origin: germline.

Baylor Genetics
Classification: Uncertain significance for Familial adenomatous polyposis 3. Last evaluated: 2023-09-26. Review status: criteria provided, single submitter. Criteria: ACMG Guidelines, 2015. Collection method: clinical testing. Allele origin: unknown.

Sema4
Classification: Uncertain significance for Hereditary cancer-predisposing syndrome. Last evaluated: 2021-08-19. Review status: criteria provided, single submitter. Criteria: Sema4 Curation Guidelines. Collection method: curation. Allele origin: germline.
Comment: The NTHL1 c.143C>T (p.A48V) variant has not been reported in the literature to our knowledge. It was observed in 3/16150 chromosomes of the African/African American subpopulation in the large and broad cohorts of the Genome Aggregation Database (PMID: 32461654). The variant has been reported in ClinVar (Variation ID 653794). In silico tools suggest the impact of the variant on protein function is benign, though these predictions have not been confirmed by functional studies. The evidence is insufficient to meet ACMG/AMP criteria for classifying the variant as benign or pathogenic. Thus, the clinical significance of this variant is currently uncertain.

Breakthrough Genomics
Classification: Uncertain significance. Review status: criteria provided, single submitter. Criteria: ACMG Guidelines, 2015. Collection method: not provided. Allele origin: germline. Inheritance: Autosomal recessive inheritance. Affected: yes.